The following is an entry in ClinVar:

NM_001110556.2(FLNA):c.6935A>G (p.Asn2312Ser)

Gene: FLNA (filamin A; minus strand). Cytogenetic location: Xq28.
Variant type: single nucleotide variant.
Coding change: c.6935A>G on transcript NM_001110556.2 (MANE Select); coding-DNA position 6935, A replaced by G.
Protein change: p.Asn2312Ser; replaces asparagine 2312 with serine.
Molecular consequence: missense variant.
Genome position (GRCh38, 1-based): chrX:154,351,669, T>C on the plus strand (A>G on the coding strand, the complement: FLNA is on the minus strand). VCF-style: chrX-154351669-T-C. GRCh37 (hg19) VCF-style: chrX-153580037-T-C.
Other names: c.6911A>G, p.Asn2304Ser (NM_001456.4); short protein forms N2304S, N2312S.
Identifiers: ClinVar variation 1480806 (VCV001480806.6), dbSNP rs2148103157, ClinGen allele CA415185929.

ClinVar aggregate classification (germline): Uncertain significance (1 of 4 stars; one submission).

Conditions:
Oto-palato-digital syndrome, type II (OPD2). Also called: FACIOPALATOOSSEOUS SYNDROME; OPD II SYNDROME; Otopalatodigital Syndrome, Type II; Otopalatodigital Syndrome Type 2 (FLNA-OPD2). Identifiers: Orphanet 669, Orphanet 90652, MedGen C1844696, MONDO:0010571, OMIM 304120.
Heterotopia, periventricular, X-linked dominant (PVNH1). Also called: PERIVENTRICULAR NODULAR HETEROTOPIA 4; HETEROTOPIA, PERIVENTRICULAR, 1; PERIVENTRICULAR NODULAR HETEROTOPIA 1; X-linked periventricular heterotopia. Identifiers: Orphanet 2149, Orphanet 82004, MedGen C1848213, MONDO:0010233, OMIM 300049.
Melnick-Needles syndrome (MNS). Also called: MELNICK-NEEDLES OSTEODYSPLASTY; OSTEODYSPLASTY OF MELNICK AND NEEDLES; Melnick-Needles Syndrome (FLNA-MNS). Identifiers: Orphanet 2484, MedGen C0025237, MONDO:0010650, OMIM 309350.
Frontometaphyseal dysplasia (FMD1). Identifiers: Orphanet 1826, MedGen C0265293, MONDO:0015942.

Submission:

Labcorp Genetics (formerly Invitae), Labcorp
Classification: Uncertain significance for Oto-palato-digital syndrome, type II; Heterotopia, periventricular, X-linked dominant; Frontometaphyseal dysplasia; Melnick-Needles syndrome. Last evaluated: 2021-10-19. Review status: criteria provided, single submitter. Criteria: Invitae Variant Classification Sherloc (09022015). Collection method: clinical testing. Allele origin: germline.
Comment: This sequence change replaces asparagine with serine at codon 2304 of the FLNA protein (p.Asn2304Ser). The asparagine residue is highly conserved and there is a small physicochemical difference between asparagine and serine. This variant is not present in population databases (ExAC no frequency). This variant has not been reported in the literature in individuals affected with FLNA-related conditions. Advanced modeling of protein sequence and biophysical properties (such as structural, functional, and spatial information, amino acid conservation, physicochemical variation, residue mobility, and thermodynamic stability) performed at Invitae indicates that this missense variant is not expected to disrupt FLNA protein function. In summary, the available evidence is currently insufficient to determine the role of this variant in disease. Therefore, it has been classified as a Variant of Uncertain Significance.